The following is an entry in ClinVar:

NM_000090.4(COL3A1):c.2734G>A (p.Gly912Ser)

Gene: COL3A1 (collagen type III alpha 1 chain; plus strand). Cytogenetic location: 2q32.2.
Variant type: single nucleotide variant.
Coding change: c.2734G>A on transcript NM_000090.4 (MANE Select); coding-DNA position 2734, G replaced by A.
Protein change: p.Gly912Ser; replaces glycine 912 with serine.
Molecular consequence: missense variant.
Genome position (GRCh38, 1-based): chr2:189,004,054, G>A. VCF-style: chr2-189004054-G-A. GRCh37 (hg19) VCF-style: chr2-189868780-G-A.
Other names: short protein forms G912S.
Identifiers: ClinVar variation 1479128 (VCV001479128.6), dbSNP rs2153503495, ClinGen allele CA349843974.

ClinVar aggregate classification (germline): Likely pathogenic (1 of 4 stars; one submission).

Conditions:
Ehlers-Danlos syndrome, type 4 (EDSVASC). Also called: Ehlers-Danlos syndrome vascular type; Ehlers Danlos syndrome, ecchymotic type; Ehlers Danlos syndrome, arterial type; Ehlers Danlos syndrome, Sack-Barabas type; Ehlers-Danlos Syndrome Type IV. Identifiers: Orphanet 286, MedGen C0268338, MONDO:0017314, OMIM 130050.

Submission:

Labcorp Genetics (formerly Invitae), Labcorp
Classification: Likely pathogenic for Ehlers-Danlos syndrome, type 4. Last evaluated: 2021-09-23. Review status: criteria provided, single submitter. Criteria: Invitae Variant Classification Sherloc (09022015). Collection method: clinical testing. Allele origin: germline.
Comment: In summary, the currently available evidence indicates that the variant is pathogenic, but additional data are needed to prove that conclusively. Therefore, this variant has been classified as Likely Pathogenic. This variant disrupts the triple helix domain of COL3A1. Glycine residues within the Gly-Xaa-Yaa repeats of the triple helix domain are required for the structure and stability of fibrillar collagens (PMID: 7695699, 8218237, 19344236). In COL3A1, variants that affect these glycine residues are significantly enriched in individuals with disease (PMID: 24922459, 25758994) compared to the general population (ExAC). Advanced modeling of protein sequence and biophysical properties (such as structural, functional, and spatial information, amino acid conservation, physicochemical variation, residue mobility, and thermodynamic stability) performed at Invitae indicates that this missense variant is expected to disrupt COL3A1 protein function. This variant has not been reported in the literature in individuals affected with COL3A1-related conditions. This variant is not present in population databases (ExAC no frequency). This sequence change replaces glycine with serine at codon 912 of the COL3A1 protein (p.Gly912Ser). The glycine residue is moderately conserved and there is a small physicochemical difference between glycine and serine.

Literature cited by the submitters: PubMed 7695699; PubMed 8218237; PubMed 19344236; PubMed 24922459; PubMed 25758994.